The following is an entry in ClinVar:

ClinVar aggregate classification (germline): Likely benign (0 of 4 stars; one submission).

Conditions:
SEMA3C-related disorder. Also called: SEMA3C-related condition.

gnomAD v4.1: 24 of 1,613,896 alleles (0.0015%); highest among the groups gnomAD compares: Non-Finnish European, 0.002%; no homozygotes.

Submission:

PreventionGenetics, part of Exact Sciences
Classification: Likely benign for SEMA3C-related condition. Last evaluated: 2024-07-15. Review status: no assertion criteria provided. Collection method: clinical testing. Allele origin: germline.
Comment: This variant is classified as likely benign based on ACMG/AMP sequence variant interpretation guidelines (Richards et al. 2015 PMID: 25741868, with internal and published modifications).

NM_006379.5(SEMA3C):c.1320T>A (p.Ala440=)

Gene: SEMA3C (semaphorin 3C; minus strand). Cytogenetic location: 7q21.11.
Variant type: single nucleotide variant.
Coding change: c.1320T>A on transcript NM_006379.5 (MANE Select); coding-DNA position 1320, T replaced by A.
Protein change: p.Ala440=; no amino-acid change (alanine 440 retained).
Molecular consequence: synonymous variant.
Genome position (GRCh38, 1-based): chr7:80,789,340, A>T on the plus strand (T>A on the coding strand, the complement: SEMA3C is on the minus strand). VCF-style: chr7-80789340-A-T. GRCh37 (hg19) VCF-style: chr7-80418656-A-T.
Other names: c.1374T>A, p.Ala458= (NM_001350120.2); c.1146T>A, p.Ala382= (NM_001350121.2).
Identifiers: ClinVar variation 3346096 (VCV003346096.1).